The following is an entry in ClinVar:

ClinVar aggregate classification (germline): Uncertain significance (1 of 4 stars; one submission).

Conditions:
Wilson disease (WND). Also called: Wilson's disease. Identifiers: Orphanet 905, MedGen C0019202, MONDO:0010200, OMIM 277900. Disease mechanism: loss of function.

Submission:

Color Diagnostics, LLC DBA Color Health
Classification: Uncertain significance for Wilson disease. Last evaluated: 2025-06-23. Review status: criteria provided, single submitter. Criteria: ACMG Guidelines, 2015. Collection method: clinical testing. Allele origin: germline.
Comment: This missense variant replaces proline with arginine at codon 678 of the ATP7B protein. Computational prediction suggests that this variant may not impact protein structure and function. To our knowledge, functional studies have not been reported for this variant. This variant has not been reported in individuals affected with ATP7B-related disorders in the literature. This variant has not been identified in the general population by the Genome Aggregation Database (gnomAD). The available evidence is insufficient to determine the role of this variant in disease conclusively. Therefore, this variant is classified as a Variant of Uncertain Significance.

NM_000053.4(ATP7B):c.2033C>G (p.Pro678Arg)

Gene: ATP7B (ATPase copper transporting beta; minus strand). Cytogenetic location: 13q14.3.
Variant type: single nucleotide variant.
Coding change: c.2033C>G on transcript NM_000053.4 (MANE Select); coding-DNA position 2033, C replaced by G.
Protein change: p.Pro678Arg; replaces proline 678 with arginine.
Molecular consequence: missense variant. On other transcripts: intron variant (13).
Genome position (GRCh38, 1-based): chr13:51,960,236, G>C on the plus strand (C>G on the coding strand, the complement: ATP7B is on the minus strand). VCF-style: chr13-51960236-G-C. GRCh37 (hg19) VCF-style: chr13-52534372-G-C.
Other names: c.1700C>G, p.Pro567Arg (NM_001243182.2); c.2033C>G, p.Pro678Arg (NM_001330578.2, NM_001406511.1, NM_001406512.1 and 16 more transcripts); c.2000C>G, p.Pro667Arg (NM_001406514.1, NM_001406524.1); c.1937C>G, p.Pro646Arg (NM_001406530.1, NM_001406536.1, NM_001406517.1 and 1 more transcripts); c.1604C>G, p.Pro535Arg (NM_001406539.1); c.1870-2629C>G (NM_001406541.1, NM_001005918.3, NM_001406546.1 and 1 more transcripts); c.1870-1692C>G (NM_001406531.1, NM_001406532.1, NM_001406540.1 and 1 more transcripts); c.1774-1692C>G (NM_001406543.1); and 3 more; short protein forms P535R, P567R, P646R, P667R, P678R.
Identifiers: ClinVar variation 4757249 (VCV004757249.1).